The following is an entry in ClinVar:

ClinVar aggregate classification (germline): Uncertain significance. Review status: criteria provided, multiple submitters, no conflicts (2 of 4 stars). 2 submissions from 2 submitters: Uncertain significance (2). Last evaluated 2025-10-16.

Conditions:
Brain small vessel disease 2A, autosomal dominant. Also called: Porencephaly 2. Identifiers: Orphanet 2940, Orphanet 99810, MedGen C3280970, MONDO:0013773, OMIM 614483.

Submissions (2):

Victorian Clinical Genetics Services, Murdoch Childrens Research Institute
Classification: Uncertain significance for Brain small vessel disease 2A, autosomal dominant. Last evaluated: 2025-10-16. Review status: criteria provided, single submitter. Criteria: ACMG Guidelines, 2015. Collection method: clinical testing. Allele origin: germline. Affected: yes.
Comment: This variant is classified as VUS-3B. Evidence in support of pathogenic classification: Variant is predicted to cause nonsense-mediated decay (NMD) and loss of protein (premature termination codon is located at least 54 nucleotides upstream of the final exon-exon junction); Variant is absent from gnomAD (v2, v3 and v4). Additional information: This variant is heterozygous; This gene is associated with autosomal dominant disease. However, there is emerging evidence of biallelic inheritance leading to intellectual disability, epilepsy, and spastic cerebral palsy (PMID: 33912663); Alternative NMD-predicted variants have been observed in gnomAD v4 (highest count: 47 heterozygotes, 0 homozygotes); This variant has no previous evidence of pathogenicity; No published evidence of segregation with disease has been identified for this variant; No published functional evidence has been identified for this variant; Other NMD-predicted variants comparable to the one identified in this case have conflicting previous evidence for pathogenicity. NMD-predicted variants reported in ClinVar have been classified both as VUS and likely pathogenic/pathogenic; The mechanism of disease for this gene is not clearly established. Dominant negative is suggested for glycine substitutions in the G-X-Y motif (PMID: 27794444). NMD-predicted variants have been reported likely pathogenic/pathogenic in ClinVar and literature, but there are no functional studies proving loss-of-function is a disease mechanism; The condition associated with this gene has incomplete penetrance (OMIM, PMID: 33912663); Variants in this gene are known to have variable expressivity (PMID: 27794444).

Blueprint Genetics
Classification: Uncertain significance. Last evaluated: 2024-09-05. Review status: criteria provided, single submitter. Criteria: ACMG Guidelines, 2015. Collection method: clinical testing. Allele origin: germline.

Literature cited by the submitters: PubMed 27794444 (cited by Victorian Clinical Genetics Services, Murdoch Childrens Research Institute); PubMed 33912663 (cited by Victorian Clinical Genetics Services, Murdoch Childrens Research Institute).

NM_001846.4(COL4A2):c.1213_1222delinsTCAGATCAGAGGAGAGG (p.Glu405fs)

Gene: COL4A2 (collagen type IV alpha 2 chain; plus strand). Cytogenetic location: 13q34.
Variant type: Indel.
Coding change: c.1213_1222delinsTCAGATCAGAGGAGAGG on transcript NM_001846.4 (MANE Select); coding-DNA positions 1213 to 1222, GAGATGGGAC replaced by TCAGATCAGAGGAGAGG.
Protein change: p.Glu405fs; shifts the reading frame from glutamic acid 405.
Molecular consequence: frameshift variant.
Genome position (GRCh38, 1-based): chr13:110,450,328-110,450,337, GAGATGGGAC replaced by TCAGATCAGAGGAGAGG. VCF-style: chr13-110450328-GAGATGGGAC-TCAGATCAGAGGAGAGG. GRCh37 (hg19) VCF-style: chr13-111102675-GAGATGGGAC-TCAGATCAGAGGAGAGG.
Other names: short protein forms E405fs.
Identifiers: ClinVar variation 4531448 (VCV004531448.2).
Genomic context (GRCh38, chr13:110,450,328, plus strand): 5'-GAGACTCACGCTGCAGGTGAATGCTGTTTGGTTTCAGATCAGAGGAGAGGCCTGCCGGGT[GAGATGGGAC>TCAGATCAGAGGAGAGG]CCAAGGGCTTCATCGGAGACCCCGGCATCCCTGCGCTCTACGGGGGCCCACCTGGACCTG-3'